The following is an entry in ClinVar:

NM_001127217.3(SMAD9):c.386dup (p.Tyr129Ter)

Gene: SMAD9 (SMAD family member 9; minus strand). Cytogenetic location: 13q13.3.
Variant type: Duplication.
Coding change: c.386dup on transcript NM_001127217.3 (MANE Select); coding-DNA position 386, one base duplicated (A; older notation c.386dupA).
Protein change: p.Tyr129Ter; replaces tyrosine 129 with a stop codon.
Molecular consequence: nonsense.
Genome position (GRCh38, 1-based): chr13:36,879,304, T duplicated on the plus strand (A on the coding strand, the reverse complement: SMAD9 is on the minus strand). VCF-style (leftmost placement, unchanged base first): chr13-36879303-G-GT. GRCh37 (hg19) VCF-style: chr13-37453440-G-GT.
Other names: c.386dup, p.Tyr129Ter (NM_001378621.1, NM_005905.6); short protein forms Y129*.
Identifiers: ClinVar variation 1179087 (VCV001179087.3), dbSNP rs2138492919, ClinGen allele CA2499222406.

ClinVar aggregate classification (germline): Pathogenic. Review status: criteria provided, multiple submitters, no conflicts (2 of 4 stars). 2 submissions from 2 submitters: Pathogenic (2). Last evaluated 2025-07-13.

Conditions:
Pulmonary hypertension, primary, 2. Identifiers: Orphanet 422, MedGen C3888002, MONDO:0014134, OMIM 615342.

Allele frequency attached by ClinVar (database versions not stated): gnomAD exomes 0.00001.

Submissions (2):

Labcorp Genetics (formerly Invitae), Labcorp
Classification: Pathogenic for Pulmonary hypertension, primary, 2. Last evaluated: 2025-07-13. Review status: criteria provided, single submitter. Criteria: Invitae Variant Classification Sherloc (09022015). Collection method: clinical testing. Allele origin: germline.
Comment: This sequence change creates a premature translational stop signal (p.Tyr129*) in the SMAD9 gene. It is expected to result in an absent or disrupted protein product. Loss-of-function variants in SMAD9 are known to be pathogenic (PMID: 19419974, 31727138). This variant is not present in population databases (gnomAD no frequency). This variant has not been reported in the literature in individuals affected with SMAD9-related conditions. ClinVar contains an entry for this variant (Variation ID: 1179087). Algorithms developed to predict the effect of sequence changes on RNA splicing suggest that this variant may disrupt the consensus splice site. For these reasons, this variant has been classified as Pathogenic.

Fulgent Genetics
Classification: Pathogenic for Pulmonary hypertension, primary, 2. Last evaluated: 2021-06-30. Review status: criteria provided, single submitter. Criteria: ACMG Guidelines, 2015. Collection method: clinical testing. Allele origin: unknown.
Comment: This variant has been detected in individual(s) who were sent for testing of Renasight - kidney gene panel.

Literature cited by the submitters: PubMed 19419974 (cited by Labcorp Genetics (formerly Invitae), Labcorp); PubMed 31727138 (cited by Labcorp Genetics (formerly Invitae), Labcorp).